The following is an entry in ClinVar:

NM_005984.5(SLC25A1):c.527-4G>A

Gene: SLC25A1 (solute carrier family 25 member 1; minus strand). Cytogenetic location: 22q11.21.
Variant type: single nucleotide variant.
Coding change: c.527-4G>A on transcript NM_005984.5 (MANE Select); 4 bases into the intron before coding-DNA position 527, G replaced by A.
Molecular consequence: intron variant.
Genome position (GRCh38, 1-based): chr22:19,176,954, C>T on the plus strand (G>A on the coding strand, the complement: SLC25A1 is on the minus strand). VCF-style: chr22-19176954-C-T. GRCh37 (hg19) VCF-style: chr22-19164467-C-T.
Other names: c.218-4G>A (NM_001287387.2); c.548-4G>A (NM_001256534.2).
Identifiers: ClinVar variation 1969221 (VCV001969221.6), dbSNP rs782181399, ClinGen allele CA10097399.

ClinVar aggregate classification (germline): Conflicting classifications of pathogenicity. Review status: criteria provided, conflicting classifications (1 of 4 stars). 2 submissions from 2 submitters: Uncertain significance (1); Likely benign (1). Last evaluated 2024-12-02.

Allele frequency attached by ClinVar (database versions not stated): ExAC 0.00001; gnomAD 0.00001; TOPMed 0.00002.
gnomAD v4.1: 10 of 1,613,210 alleles (0.00062%); highest among the groups gnomAD compares: South Asian, 0.0033%; no homozygotes.

Submissions (2):

Women's Health and Genetics/Laboratory Corporation of America, LabCorp
Classification: Uncertain significance. Last evaluated: 2024-12-02. Review status: criteria provided, single submitter. Criteria: LabCorp Variant Classification Summary - May 2015. Collection method: clinical testing. Allele origin: germline.
Comment: Variant summary: SLC25A1 c.527-4G>A alters a nucleotide located close to a canonical splice site and therefore could affect mRNA splicing, leading to a significantly altered protein sequence. Consensus agreement among computation tools predict no significant impact on normal splicing. However, these predictions have yet to be confirmed by functional studies. The variant allele was found at a frequency of 1.2e-05 in 250740 control chromosomes. The available data on variant occurrences in the general population are insufficient to allow any conclusion about variant significance. To our knowledge, no occurrence of c.527-4G>A in individuals affected with Myasthenic Syndrome, Congenital, 23, Presynaptic and no experimental evidence demonstrating its impact on protein function have been reported. ClinVar contains an entry for this variant (Variation ID: 1969221). Based on the evidence outlined above, the variant was classified as uncertain significance.

Labcorp Genetics (formerly Invitae), Labcorp
Classification: Likely benign. Last evaluated: 2024-08-12. Review status: criteria provided, single submitter. Criteria: Invitae Variant Classification Sherloc (09022015). Collection method: clinical testing. Allele origin: germline.